The following is an entry in ClinVar:

ClinVar aggregate classification (germline): Uncertain significance (1 of 4 stars; one submission).

Submission:

GeneDx
Classification: Uncertain significance. Last evaluated: 2026-03-18. Review status: criteria provided, single submitter. Criteria: GeneDx Variant Classification Process June 2021. Collection method: clinical testing. Allele origin: germline.
Comment: Not observed at significant frequency in large population cohorts (gnomAD); In silico analysis suggests that this missense variant does not alter protein structure/function; Has not been previously published as pathogenic or benign to our knowledge

NM_016360.4(TACO1):c.401C>G (p.Thr134Ser)

Gene: TACO1 (translational activator of cytochrome c oxidase I; plus strand). Cytogenetic location: 17q23.3.
Variant type: single nucleotide variant.
Coding change: c.401C>G on transcript NM_016360.4 (MANE Select); coding-DNA position 401, C replaced by G.
Protein change: p.Thr134Ser; replaces threonine 134 with serine.
Molecular consequence: missense variant.
Genome position (GRCh38, 1-based): chr17:63,606,326, C>G. VCF-style: chr17-63606326-C-G. GRCh37 (hg19) VCF-style: chr17-61683686-C-G.
Other names: short protein forms T134S.
Identifiers: ClinVar variation 5008835 (VCV005008835.1).